The following is an entry in ClinVar:

NM_024870.4(PREX2):c.2250+8G>A

Gene: PREX2 (phosphatidylinositol-3,4,5-trisphosphate dependent Rac exchange factor 2; plus strand). Cytogenetic location: 8q13.2.
Variant type: single nucleotide variant.
Coding change: c.2250+8G>A on transcript NM_024870.4 (MANE Select); 8 bases into the intron after coding-DNA position 2250, G replaced by A.
Molecular consequence: intron variant.
Genome position (GRCh38, 1-based): chr8:68,090,723, G>A. VCF-style: chr8-68090723-G-A. GRCh37 (hg19) VCF-style: chr8-69002958-G-A.
Other names: c.2250+8G>A (NM_025170.6).
Identifiers: ClinVar variation 3060225 (VCV003060225.2), dbSNP rs117440451, ClinGen allele CA4773881.

ClinVar aggregate classification (germline): Benign (0 of 4 stars; one submission).

Conditions:
PREX2-related disorder. Also called: PREX2-related condition.

Allele frequency attached by ClinVar (database versions not stated): ESP Exome Variant Server 0.00054; gnomAD 0.00294; TOPMed 0.00338; ExAC 0.00598; 1000 Genomes Project 30x 0.00968; 1000 Genomes Project 0.01178.
gnomAD v4.1: 4,674 of 1,612,098 alleles (0.29%); highest among the groups gnomAD compares: East Asian, 8.5%; 172 homozygotes.

Submission:

PreventionGenetics, part of Exact Sciences
Classification: Benign for PREX2-related condition. Last evaluated: 2019-02-28. Review status: no assertion criteria provided. Collection method: clinical testing. Allele origin: germline.
Comment: This variant is classified as benign based on ACMG/AMP sequence variant interpretation guidelines (Richards et al. 2015 PMID: 25741868, with internal and published modifications).